The following is an entry in ClinVar:

ClinVar aggregate classification (germline): Pathogenic. Review status: criteria provided, multiple submitters, no conflicts (2 of 4 stars). 2 submissions from 2 submitters: Pathogenic (2). Last evaluated 2022-12-30.

Conditions:
Retinal disorder. Also called: Retinopathies; Retinal Diseases; Retinopathy; Retinal disorders. Identifiers: MedGen C0035309, MONDO:0005283, HP:0000488.
Leber congenital amaurosis 8 (LCA8). Identifiers: Orphanet 65, MedGen C3151202, MONDO:0013453, OMIM 613835.
Retinitis pigmentosa 12 (RP12). Also called: RP WITH OR WITHOUT PRESERVED PARAARTERIOLE RETINAL PIGMENT EPITHELIUM; RETINITIS PIGMENTOSA WITH OR WITHOUT PARAARTERIOLAR PRESERVATION OF RETINAL PIGMENT EPITHELIUM; RP WITH OR WITHOUT PPRPE. Identifiers: Orphanet 791, MedGen C1838647, MONDO:0010818, OMIM 600105.

Submissions (2):

Labcorp Genetics (formerly Invitae), Labcorp
Classification: Pathogenic for Leber congenital amaurosis 8; Retinitis pigmentosa 12. Last evaluated: 2022-12-30. Review status: criteria provided, single submitter. Criteria: Invitae Variant Classification Sherloc (09022015). Collection method: clinical testing. Allele origin: germline.
Comment: This sequence change replaces isoleucine, which is neutral and non-polar, with threonine, which is neutral and polar, at codon 989 of the CRB1 protein (p.Ile989Thr). This variant is not present in population databases (gnomAD no frequency). This missense change has been observed in individual(s) with Leber congenital amaurosis (PMID: 12573663). It has also been observed to segregate with disease in related individuals. Advanced modeling of protein sequence and biophysical properties (such as structural, functional, and spatial information, amino acid conservation, physicochemical variation, residue mobility, and thermodynamic stability) performed at Invitae indicates that this missense variant is expected to disrupt CRB1 protein function. For these reasons, this variant has been classified as Pathogenic.

AURAGEN, Plan France Médecine Génomique
Classification: Pathogenic for Retinal disorder. Last evaluated: 2022-07-07. Review status: criteria provided, single submitter. Criteria: PFMG2025 (Lancet Reg Health Eur. 2025). Collection method: clinical testing. Allele origin: germline. Affected: yes.

Literature cited by the submitters: PubMed 12573663 (cited by Labcorp Genetics (formerly Invitae), Labcorp).

NM_201253.3(CRB1):c.2966T>C (p.Ile989Thr)

Gene: CRB1 (crumbs cell polarity complex component 1; plus strand). Cytogenetic location: 1q31.3.
Variant type: single nucleotide variant.
Coding change: c.2966T>C on transcript NM_201253.3 (MANE Select); coding-DNA position 2966, T replaced by C.
Protein change: p.Ile989Thr; replaces isoleucine 989 with threonine.
Molecular consequence: missense variant. On other transcripts: non-coding transcript variant (2), intron variant (1).
Genome position (GRCh38, 1-based): chr1:197,434,829, T>C. VCF-style: chr1-197434829-T-C. GRCh37 (hg19) VCF-style: chr1-197403959-T-C.
Other names: c.2630T>C, p.Ile877Thr (NM_001193640.2); c.2894T>C, p.Ile965Thr (NM_001257965.2); c.2129-771T>C (NM_001257966.2); short protein forms I877T, I965T, I989T.
Identifiers: ClinVar variation 2925306 (VCV002925306.4), dbSNP rs2528196742, ClinGen allele CA344044069.